The following is an entry in ClinVar:

ClinVar aggregate classification (germline): Uncertain significance. Review status: criteria provided, multiple submitters, no conflicts (2 of 4 stars). 4 submissions from 4 submitters: Uncertain significance (4). Last evaluated 2026-04-01.

Conditions:
Primary erythromelalgia. Also called: primary erythermalgia; SCN9A Erythromelalgia (SCN9A-EM). Identifiers: Orphanet 306577, Orphanet 90026, MedGen C0014805, MONDO:0007571, OMIM 133020.
Paroxysmal extreme pain disorder (PEXPD). Also called: PAIN, SUBMANDIBULAR, OCULAR, AND RECTAL, WITH FLUSHING; RECTAL PAIN, FAMILIAL; SCN9A Paroxysmal Extreme Pain Disorder (SCN9A-PEPD). Identifiers: Orphanet 46348, MedGen C1833661, MONDO:0008179, OMIM 167400.
Neuropathy, hereditary sensory and autonomic, type 2A (HSAN2A). Also called: HSAN IIA; ACROOSTEOLYSIS, GIACCAI TYPE; ACROOSTEOLYSIS, NEUROGENIC; MORVAN DISEASE; NEUROPATHY, CONGENITAL SENSORY; NEUROPATHY, HEREDITARY SENSORY RADICULAR, AUTOSOMAL RECESSIVE. Identifiers: Orphanet 970, MedGen C2752089, MONDO:0024309, OMIM 201300.
Generalized epilepsy with febrile seizures plus, type 7 (GEFSP7). Also called: GEFS+, TYPE 7. Identifiers: Orphanet 36387, MedGen C2751778, MONDO:0013470, OMIM 613863.

Allele frequency attached by ClinVar (database versions not stated): gnomAD 0.00001 and 0.00002; gnomAD exomes 0.00001 and 0.00003; TOPMed 0.00002; ExAC 0.00003.
gnomAD v4.1: 17 of 1,613,978 alleles (0.0011%); highest among the groups gnomAD compares: Admixed American, 0.012%; no homozygotes.

Submissions (4):

CeGaT Center for Human Genetics Tuebingen
Classification: Uncertain significance. Last evaluated: 2026-04-01. Review status: criteria provided, single submitter. Criteria: CeGaT Center For Human Genetics Tuebingen Variant Classification Criteria Version 2. Collection method: clinical testing. Allele origin: germline. Affected: yes. Observed: 1 variant allele.
Comment: SCN9A: PM2:Supporting, PP3

Labcorp Genetics (formerly Invitae), Labcorp
Classification: Uncertain significance for Neuropathy, hereditary sensory and autonomic, type 2A; Generalized epilepsy with febrile seizures plus, type 7. Last evaluated: 2025-04-26. Review status: criteria provided, single submitter. Criteria: Invitae Variant Classification Sherloc (09022015). Collection method: clinical testing. Allele origin: germline.
Comment: This sequence change replaces methionine, which is neutral and non-polar, with threonine, which is neutral and polar, at codon 921 of the SCN9A protein (p.Met921Thr). This variant is present in population databases (rs778218101, gnomAD 0.01%). This variant has not been reported in the literature in individuals affected with SCN9A-related conditions. ClinVar contains an entry for this variant (Variation ID: 1372404). Invitae Evidence Modeling of protein sequence and biophysical properties (such as structural, functional, and spatial information, amino acid conservation, physicochemical variation, residue mobility, and thermodynamic stability) has been performed for this missense variant. However, the output from this modeling did not meet the statistical confidence thresholds required to predict the impact of this variant on SCN9A protein function. In summary, the available evidence is currently insufficient to determine the role of this variant in disease. Therefore, it has been classified as a Variant of Uncertain Significance.

Blueprint Genetics
Classification: Uncertain significance. Last evaluated: 2024-11-08. Review status: criteria provided, single submitter. Criteria: ACMG Guidelines, 2015. Collection method: clinical testing. Allele origin: germline.

Institute of Immunology and Genetics Kaiserslautern
Classification: Uncertain significance for Primary erythromelalgia; Paroxysmal extreme pain disorder. Last evaluated: 2024-05-03. Review status: criteria provided, single submitter. Criteria: ACMG Guidelines, 2015. Collection method: clinical testing. Allele origin: maternal. Affected: yes.
Comment: ACMG Criteria: PP3; Variant was found in heterozygous state

NM_001365536.1(SCN9A):c.2795T>C (p.Met932Thr)

Genes: SCN1A-AS1 (SCN1A and SCN9A antisense RNA 1; plus strand), SCN9A (sodium voltage-gated channel alpha subunit 9; minus strand). Cytogenetic location: 2q24.3.
Variant type: single nucleotide variant.
Coding change: c.2795T>C on transcript NM_001365536.1 (MANE Select); coding-DNA position 2795, T replaced by C.
Protein change: p.Met932Thr; replaces methionine 932 with threonine.
Molecular consequence: missense variant.
Genome position (GRCh38, 1-based): chr2:166,277,062, A>G on the plus strand (T>C on the coding strand, the complement: SCN9A is on the minus strand). VCF-style: chr2-166277062-A-G. GRCh37 (hg19) VCF-style: chr2-167133572-A-G.
Other names: c.2762T>C, p.Met921Thr (NM_002977.4); short protein forms M921T, M932T.
Identifiers: ClinVar variation 1372404 (VCV001372404.12), dbSNP rs778218101, ClinGen allele CA1944202.